The following is an entry in ClinVar:

NM_018941.4(CLN8):c.7C>T (p.Pro3Ser)

Gene: CLN8 (CLN8 transmembrane ER and ERGIC protein; plus strand). Cytogenetic location: 8p23.3.
Variant type: single nucleotide variant.
Coding change: c.7C>T on transcript NM_018941.4 (MANE Select); coding-DNA position 7, C replaced by T.
Protein change: p.Pro3Ser; replaces proline 3 with serine.
Molecular consequence: missense variant.
Genome position (GRCh38, 1-based): chr8:1,771,061, C>T. VCF-style: chr8-1771061-C-T. GRCh37 (hg19) VCF-style: chr8-1719227-C-T.
Other names: short protein forms P3S.
Identifiers: ClinVar variation 969683 (VCV000969683.6), dbSNP rs767218890, ClinGen allele CA369952695.
Genomic context (GRCh38, chr8:1,771,061, plus strand): 5'-GTAGGGCCCGGCCCGTGTTGGCCCCAGGACTCCTTTGGAATATAGCTGTGGACAATGAAT[C>T]CTGCGAGCGATGGGGGCACATCAGAGAGCATTTTTGACCTGGACTATGCATCCTGGGGGA-3'
Protein context (NP_061764.2, residues 1-13): MN[Pro3Ser]ASDGGTSESI

ClinVar aggregate classification (germline): Uncertain significance (1 of 4 stars; one submission).

Conditions:
Neuronal ceroid lipofuscinosis. Also called: Neuronal Ceroid Lipofuscinoses. Identifiers: Orphanet 216, Orphanet 79263, MedGen C0027877, MONDO:0016295. Disease mechanism: loss of function.

gnomAD v4.1: 3 of 1,614,038 alleles (0.00019%); highest among the groups gnomAD compares: Non-Finnish European, 0.00025%; no homozygotes.

Submission:

Labcorp Genetics (formerly Invitae), Labcorp
Classification: Uncertain significance for Neuronal ceroid lipofuscinosis. Last evaluated: 2024-11-11. Review status: criteria provided, single submitter. Criteria: Invitae Variant Classification Sherloc (09022015). Collection method: clinical testing. Allele origin: germline.
Comment: This sequence change replaces proline, which is neutral and non-polar, with serine, which is neutral and polar, at codon 3 of the CLN8 protein (p.Pro3Ser). This variant is not present in population databases (gnomAD no frequency). This variant has not been reported in the literature in individuals affected with CLN8-related conditions. ClinVar contains an entry for this variant (Variation ID: 969683). Invitae Evidence Modeling of protein sequence and biophysical properties (such as structural, functional, and spatial information, amino acid conservation, physicochemical variation, residue mobility, and thermodynamic stability) indicates that this missense variant is not expected to disrupt CLN8 protein function with a negative predictive value of 95%. In summary, the available evidence is currently insufficient to determine the role of this variant in disease. Therefore, it has been classified as a Variant of Uncertain Significance.